The following is an entry in ClinVar:

ClinVar aggregate classification (germline): Pathogenic/Likely pathogenic. Review status: criteria provided, multiple submitters, no conflicts (2 of 4 stars). 2 submissions from 2 submitters: Pathogenic (1); Likely pathogenic (1). Last evaluated 2023-09-18.

Conditions:
Lynch syndrome 4 (LYNCH4). Also called: Colorectal cancer, hereditary nonpolyposis, type 4; Hereditary non-polyposis colorectal cancer, type 4. Identifiers: Orphanet 144, MedGen C1838333, MONDO:0013699, OMIM 614337. Disease mechanism: loss of function.

Submissions (2):

Myriad Genetics, Inc.
Classification: Pathogenic for Lynch syndrome 4. Last evaluated: 2023-09-18. Review status: criteria provided, single submitter. Criteria: Myriad Autosomal Dominant, Autosomal Recessive and X-Linked Classification Criteria (2023). Collection method: clinical testing. Allele origin: unknown.
Comment: This variant is considered pathogenic. This variant creates a termination codon and is predicted to result in premature protein truncation.

Revvity Omics, Revvity
Classification: Likely pathogenic. Last evaluated: 2022-11-16. Review status: criteria provided, single submitter. Criteria: ACMG Guidelines, 2015. Collection method: clinical testing. Allele origin: germline.

NM_000535.7(PMS2):c.214G>T (p.Gly72Ter)

Gene: PMS2 (PMS1 homolog 2, mismatch repair system component; minus strand). Cytogenetic location: 7p22.1.
Variant type: single nucleotide variant.
Coding change: c.214G>T on transcript NM_000535.7 (MANE Select); coding-DNA position 214, G replaced by T.
Protein change: p.Gly72Ter; replaces glycine 72 with a stop codon.
Molecular consequence: nonsense. On other transcripts: 5 prime UTR variant (44), non-coding transcript variant (1), intron variant (1).
Genome position (GRCh38, 1-based): chr7:6,004,008, C>A on the plus strand (G>T on the coding strand, the complement: PMS2 is on the minus strand). VCF-style: chr7-6004008-C-A. GRCh37 (hg19) VCF-style: chr7-6043639-C-A.
Other names: c.-2G>T (NM_001406876.1, NM_001406883.1, NM_001406901.1 and 4 more transcripts); c.-271G>T (NM_001406877.1, NM_001406878.1, NM_001406879.1 and 3 more transcripts); c.-218G>T (NM_001406880.1); c.-168G>T (NM_001406881.1, NM_001406900.1); c.214G>T, p.Gly72Ter (NM_001406884.1, NM_001406885.1, NM_001406886.1 and 10 more transcripts); c.-192G>T (NM_001406887.1, NM_001406891.1, NM_001406893.1 and 14 more transcripts); c.-139G>T (NM_001406888.1, NM_001406889.1, NM_001406892.1 and 6 more transcripts); c.-182G>T (NM_001406890.1); and 3 more; short protein forms G134*, G72*.
Identifiers: ClinVar variation 2432777 (VCV002432777.4), dbSNP rs2128829880, ClinGen allele CA366744833.